The following is an entry in ClinVar:

ClinVar aggregate classification (germline): Uncertain significance. Review status: criteria provided, multiple submitters, no conflicts (2 of 4 stars). 2 submissions from 2 submitters: Uncertain significance (2). Last evaluated 2023-01-10.

Allele frequency attached by ClinVar (database versions not stated): gnomAD exomes 0.00001; ExAC 0.00002.
gnomAD v4.1: 13 of 1,614,052 alleles (0.00081%); highest among the groups gnomAD compares: Admixed American, 0.0017%; no homozygotes.

Submissions (2):

Blueprint Genetics
Classification: Uncertain significance. Last evaluated: 2023-01-10. Review status: criteria provided, single submitter. Criteria: ACMG Guidelines, 2015. Collection method: clinical testing. Allele origin: germline.

Labcorp Genetics (formerly Invitae), Labcorp
Classification: Uncertain significance. Last evaluated: 2022-03-01. Review status: criteria provided, single submitter. Criteria: Invitae Variant Classification Sherloc (09022015). Collection method: clinical testing. Allele origin: germline.
Comment: This sequence change replaces proline, which is neutral and non-polar, with leucine, which is neutral and non-polar, at codon 183 of the CRAT protein (p.Pro183Leu). This variant is present in population databases (rs748867542, gnomAD 0.009%). This variant has not been reported in the literature in individuals affected with CRAT-related conditions. Algorithms developed to predict the effect of missense changes on protein structure and function (SIFT, PolyPhen-2, Align-GVGD) all suggest that this variant is likely to be disruptive. In summary, the available evidence is currently insufficient to determine the role of this variant in disease. Therefore, it has been classified as a Variant of Uncertain Significance.

NM_000755.5(CRAT):c.548C>T (p.Pro183Leu)

Gene: CRAT (carnitine O-acetyltransferase; minus strand). Cytogenetic location: 9q34.11.
Variant type: single nucleotide variant.
Coding change: c.548C>T on transcript NM_000755.5 (MANE Select); coding-DNA position 548, C replaced by T.
Protein change: p.Pro183Leu; replaces proline 183 with leucine.
Molecular consequence: missense variant.
Genome position (GRCh38, 1-based): chr9:129,102,482, G>A on the plus strand (C>T on the coding strand, the complement: CRAT is on the minus strand). VCF-style: chr9-129102482-G-A. GRCh37 (hg19) VCF-style: chr9-131864761-G-A.
Other names: c.485C>T, p.Pro162Leu (NM_001257363.3, NM_001346548.2, NM_004003.4); c.551C>T, p.Pro184Leu (NM_001346546.2); c.548C>T, p.Pro183Leu (NM_001346547.2); c.428C>T, p.Pro143Leu (NM_001346549.2); short protein forms P143L, P162L, P184L, P183L.
Identifiers: ClinVar variation 2082860 (VCV002082860.2), dbSNP rs748867542, ClinGen allele CA5275704.